The following is an entry in ClinVar:

ClinVar aggregate classification (germline): Likely pathogenic (1 of 4 stars; one submission).

Conditions:
FLT4-related disorder. Also called: FLT4-related condition.

Submission:

PreventionGenetics, part of Exact Sciences
Classification: Likely pathogenic for FLT4-related condition. Last evaluated: 2023-05-10. Review status: criteria provided, single submitter. Criteria: ACMG Guidelines, 2015. Collection method: clinical testing. Allele origin: germline.
Comment: The FLT4 c.1925delG variant is predicted to result in a frameshift and premature protein termination (p.Arg642Profs*43). To our knowledge, this variant has not been reported in the literature or in a large population database, indicating this variant is rare. Frameshift variants in FLT4 are expected to be pathogenic. This variant is interpreted as likely pathogenic.

NM_182925.5(FLT4):c.1925del (p.Arg642fs)

Gene: FLT4 (fms related receptor tyrosine kinase 4; minus strand). Cytogenetic location: 5q35.3.
Variant type: Deletion.
Coding change: c.1925del on transcript NM_182925.5 (MANE Select); coding-DNA position 1925, one base deleted (G; older notation c.1925delG).
Protein change: p.Arg642fs; shifts the reading frame from arginine 642.
Molecular consequence: frameshift variant.
Genome position (GRCh38, 1-based): chr5:180,621,637, C deleted on the plus strand (G on the coding strand, the reverse complement: FLT4 is on the minus strand). VCF-style (leftmost placement, unchanged base first): chr5-180621636-GC-G. GRCh37 (hg19) VCF-style: chr5-180048636-GC-G.
Other names: c.1925del, p.Arg642fs (NM_001354989.2, NM_002020.5); short protein forms R642fs.
Identifiers: ClinVar variation 2633187 (VCV002633187.1), dbSNP rs2480922403, ClinGen allele CA2695198800.